The following is an entry in ClinVar:

ClinVar aggregate classification (germline): Uncertain significance. Review status: criteria provided, multiple submitters, no conflicts (2 of 4 stars). 2 submissions from 2 submitters: Uncertain significance (2). Last evaluated 2025-10-25.

Conditions:
Hereditary cancer-predisposing syndrome. Also called: Neoplastic Syndromes, Hereditary; Tumor predisposition; Hereditary Cancer Syndrome; Hereditary neoplastic syndrome. Identifiers: Orphanet 140162, MedGen C0027672, MeSH D009386, MONDO:0015356.

Allele frequency attached by ClinVar (database versions not stated): ExAC 0.00001; TOPMed 0.00004.
gnomAD v4.1: 4 of 1,613,894 alleles (0.00025%); highest among the groups gnomAD compares: South Asian, 0.0022%; no homozygotes.

Submissions (2):

Ambry Genetics
Classification: Uncertain significance for Hereditary cancer-predisposing syndrome. Last evaluated: 2025-10-25. Review status: criteria provided, single submitter. Criteria: Ambry Variant Classification Scheme 2023. Collection method: clinical testing. Allele origin: germline.
Comment: The p.R1166Q variant (also known as c.3497G>A), located in coding exon 23 of the RAD50 gene, results from a G to A substitution at nucleotide position 3497. The arginine at codon 1166 is replaced by glutamine, an amino acid with highly similar properties. This amino acid position is highly conserved in available vertebrate species. In addition, this alteration is predicted to be deleterious by in silico analysis. Since supporting evidence is limited at this time, the clinical significance of this alteration remains unclear.

Labcorp Genetics (formerly Invitae), Labcorp
Classification: Uncertain significance for Hereditary cancer-predisposing syndrome. Last evaluated: 2025-01-08. Review status: criteria provided, single submitter. Criteria: Invitae Variant Classification Sherloc (09022015). Collection method: clinical testing. Allele origin: germline.
Comment: This sequence change replaces arginine, which is basic and polar, with glutamine, which is neutral and polar, at codon 1166 of the RAD50 protein (p.Arg1166Gln). This variant is present in population databases (rs763145238, gnomAD 0.003%). This variant has not been reported in the literature in individuals affected with RAD50-related conditions. ClinVar contains an entry for this variant (Variation ID: 484631). Invitae Evidence Modeling of protein sequence and biophysical properties (such as structural, functional, and spatial information, amino acid conservation, physicochemical variation, residue mobility, and thermodynamic stability) has been performed for this missense variant. However, the output from this modeling did not meet the statistical confidence thresholds required to predict the impact of this variant on RAD50 protein function. In summary, the available evidence is currently insufficient to determine the role of this variant in disease. Therefore, it has been classified as a Variant of Uncertain Significance.

NM_005732.4(RAD50):c.3497G>A (p.Arg1166Gln)

Genes: TH2LCRR (T helper type 2 locus control region associated RNA; minus strand), TH2-LCR (Th2 cytokine locus control region; plus strand), RAD50 (RAD50 double strand break repair protein; plus strand). Cytogenetic location: 5q31.1.
Variant type: single nucleotide variant.
Coding change: c.3497G>A on transcript NM_005732.4 (MANE Select); coding-DNA position 3497, G replaced by A.
Protein change: p.Arg1166Gln; replaces arginine 1166 with glutamine.
Molecular consequence: missense variant. On other transcripts: non-coding transcript variant (2).
Genome position (GRCh38, 1-based): chr5:132,638,102, G>A. VCF-style: chr5-132638102-G-A. GRCh37 (hg19) VCF-style: chr5-131973794-G-A.
Other names: short protein forms R1166Q.
Identifiers: ClinVar variation 484631 (VCV000484631.12), dbSNP rs763145238, ClinGen allele CA3405602.
Genomic context (GRCh38, chr5:132,638,102, plus strand): 5'-AGCATAGGTTCCTCTAAAATATTCTTCTTCCTGTGTCAGATATTGAATACATAGAAATAC[G>A]GTCTGATGCCGATGAAAATGTATCAGCTTCTGATAAAAGGCGGAATTATAACTACCGAGT-3'
Protein context (NP_005723.2, residues 1156-1176): RGQDIEYIEI[Arg1166Gln]SDADENVSAS